The following is an entry in ClinVar:

NM_005559.4(LAMA1):c.3910C>G (p.Pro1304Ala)

Gene: LAMA1 (laminin subunit alpha 1; minus strand). Cytogenetic location: 18p11.31.
Variant type: single nucleotide variant.
Coding change: c.3910C>G on transcript NM_005559.4 (MANE Select); coding-DNA position 3910, C replaced by G.
Protein change: p.Pro1304Ala; replaces proline 1304 with alanine.
Molecular consequence: missense variant.
Genome position (GRCh38, 1-based): chr18:7,009,330, G>C on the plus strand (C>G on the coding strand, the complement: LAMA1 is on the minus strand). VCF-style: chr18-7009330-G-C. GRCh37 (hg19) VCF-style: chr18-7009329-G-C.
Other names: short protein forms P1304A.
Identifiers: ClinVar variation 788002 (VCV000788002.33), dbSNP rs151275559, ClinGen allele CA8882101.

ClinVar aggregate classification (germline): Conflicting classifications of pathogenicity. Review status: criteria provided, conflicting classifications (1 of 4 stars). 5 submissions from 5 submitters: Uncertain significance (1); Likely benign (4). Last evaluated 2025-11-28.

Conditions:
Inborn genetic diseases. Identifiers: MedGen C0950123, MeSH D030342.

Allele frequency attached by ClinVar (database versions not stated): gnomAD exomes 0.00022 and 0.00058; ExAC 0.00080; gnomAD 0.00267 and 0.00281; TOPMed 0.00312; 1000 Genomes Project 0.00319; 1000 Genomes Project 30x 0.00344; ESP Exome Variant Server 0.00361.
gnomAD v4.1: 752 of 1,614,092 alleles (0.047%); highest among the groups gnomAD compares: African/African-American, 0.91%; 6 homozygotes.

Submissions (5):

Labcorp Genetics (formerly Invitae), Labcorp
Classification: Likely benign. Last evaluated: 2025-11-28. Review status: criteria provided, single submitter. Criteria: Invitae Variant Classification Sherloc (09022015). Collection method: clinical testing. Allele origin: germline.

Ambry Genetics
Classification: Likely benign for Inborn genetic diseases. Last evaluated: 2025-08-30. Review status: criteria provided, single submitter. Criteria: Ambry Variant Classification Scheme 2023. Collection method: clinical testing. Allele origin: germline.

Blueprint Genetics
Classification: Likely benign. Last evaluated: 2024-09-02. Review status: criteria provided, single submitter. Criteria: ACMG Guidelines, 2015. Collection method: clinical testing. Allele origin: germline.

CeGaT Center for Human Genetics Tuebingen
Classification: Likely benign. Last evaluated: 2023-12-01. Review status: criteria provided, single submitter. Criteria: CeGaT Center For Human Genetics Tuebingen Variant Classification Criteria Version 2. Collection method: clinical testing. Allele origin: germline. Affected: yes. Observed: 1 variant allele.
Comment: LAMA1: BP4, BS2

GeneDx
Classification: Uncertain significance. Last evaluated: 2023-11-14. Review status: criteria provided, single submitter. Criteria: GeneDx Variant Classification Process June 2021. Collection method: clinical testing. Allele origin: germline. Affected: yes.
Comment: In silico analysis supports that this missense variant has a deleterious effect on protein structure/function; Has not been previously published as pathogenic or benign to our knowledge